The following is an entry in ClinVar:

NM_004304.5(ALK):c.2951A>C (p.Tyr984Ser)

Gene: ALK (ALK receptor tyrosine kinase; minus strand). Cytogenetic location: 2p23.2.
Variant type: single nucleotide variant.
Coding change: c.2951A>C on transcript NM_004304.5 (MANE Select); coding-DNA position 2951, A replaced by C.
Protein change: p.Tyr984Ser; replaces tyrosine 984 with serine.
Molecular consequence: missense variant.
Genome position (GRCh38, 1-based): chr2:29,227,038, T>G on the plus strand (A>C on the coding strand, the complement: ALK is on the minus strand). VCF-style: chr2-29227038-T-G. GRCh37 (hg19) VCF-style: chr2-29449904-T-G.
Other names: short protein forms Y984S.
Identifiers: ClinVar variation 1798058 (VCV001798058.2), dbSNP rs758041539, ClinGen allele CA1594120.

ClinVar aggregate classification (germline): Uncertain significance (1 of 4 stars; one submission).

Conditions:
Hereditary cancer-predisposing syndrome. Also called: Neoplastic Syndromes, Hereditary; Tumor predisposition; Hereditary Cancer Syndrome; Hereditary neoplastic syndrome. Identifiers: Orphanet 140162, MedGen C0027672, MeSH D009386, MONDO:0015356.

Allele frequency attached by ClinVar (database versions not stated): ExAC 0.00001; gnomAD exomes 0.00001.
gnomAD v4.1: 4 of 1,614,154 alleles (0.00025%); highest among the groups gnomAD compares: South Asian, 0.0044%; no homozygotes.

Submission:

Ambry Genetics
Classification: Uncertain significance for Hereditary cancer-predisposing syndrome. Last evaluated: 2022-02-24. Review status: criteria provided, single submitter. Criteria: Ambry Variant Classification Scheme 2023. Collection method: clinical testing. Allele origin: germline.
Comment: The p.Y984S variant (also known as c.2951A>C), located in coding exon 18 of the ALK gene, results from an A to C substitution at nucleotide position 2951. The tyrosine at codon 984 is replaced by serine, an amino acid with dissimilar properties. This amino acid position is conserved. In addition, the in silico prediction for this alteration is inconclusive. Since supporting evidence is limited at this time, the clinical significance of this alteration remains unclear.